The following is an entry in ClinVar:

NM_178452.6(DNAAF1):c.812G>A (p.Arg271Gln)

Gene: DNAAF1 (dynein axonemal assembly factor 1; plus strand). Cytogenetic location: 16q24.1.
Variant type: single nucleotide variant.
Coding change: c.812G>A on transcript NM_178452.6 (MANE Select); coding-DNA position 812, G replaced by A.
Protein change: p.Arg271Gln; replaces arginine 271 with glutamine.
Molecular consequence: missense variant.
Genome position (GRCh38, 1-based): chr16:84,159,745, G>A. VCF-style: chr16-84159745-G-A. GRCh37 (hg19) VCF-style: chr16-84193350-G-A.
Other names: c.56G>A, p.Arg19Gln (NM_001318756.1); short protein forms R271Q, R19Q.
Identifiers: ClinVar variation 525421 (VCV000525421.12), dbSNP rs140751779, ClinGen allele CA8202627.

ClinVar aggregate classification (germline): Uncertain significance. Review status: criteria provided, multiple submitters, no conflicts (2 of 4 stars). 3 submissions from 3 submitters: Uncertain significance (3). Last evaluated 2024-07-11.

Conditions:
Primary ciliary dyskinesia. Also called: Ciliary dyskinesia. Identifiers: Orphanet 244, MedGen C0008780, MONDO:0016575, HP:0012265.

Allele frequency attached by ClinVar (database versions not stated): gnomAD exomes 0.00004; ExAC 0.00007; gnomAD 0.00012 and 0.00013; TOPMed 0.00020; ESP Exome Variant Server 0.00023; 1000 Genomes Project 30x 0.00047; 1000 Genomes Project 0.00060.
gnomAD v4.1: 38 of 1,613,928 alleles (0.0024%); highest among the groups gnomAD compares: African/African-American, 0.032%; no homozygotes.

Submissions (3):

Ambry Genetics
Classification: Uncertain significance for Primary ciliary dyskinesia. Last evaluated: 2024-07-11. Review status: criteria provided, single submitter. Criteria: Ambry Variant Classification Scheme 2023. Collection method: clinical testing. Allele origin: germline.
Comment: The p.R271Q variant (also known as c.812G>A), located in coding exon 6 of the DNAAF1 gene, results from a G to A substitution at nucleotide position 812. The arginine at codon 271 is replaced by glutamine, an amino acid with highly similar properties. This amino acid position is well conserved in available vertebrate species. In addition, this alteration is predicted to be tolerated by in silico analysis. Since supporting evidence is limited at this time, the clinical significance of this alteration remains unclear.

Labcorp Genetics (formerly Invitae), Labcorp
Classification: Uncertain significance for Primary ciliary dyskinesia. Last evaluated: 2022-08-31. Review status: criteria provided, single submitter. Criteria: Invitae Variant Classification Sherloc (09022015). Collection method: clinical testing. Allele origin: germline.
Comment: This sequence change replaces arginine, which is basic and polar, with glutamine, which is neutral and polar, at codon 271 of the DNAAF1 protein (p.Arg271Gln). This variant is present in population databases (rs140751779, gnomAD 0.05%). This variant has not been reported in the literature in individuals affected with DNAAF1-related conditions. ClinVar contains an entry for this variant (Variation ID: 525421). Algorithms developed to predict the effect of missense changes on protein structure and function output the following: SIFT: "Tolerated"; PolyPhen-2: "Benign"; Align-GVGD: "Class C0". The glutamine amino acid residue is found in multiple mammalian species, which suggests that this missense change does not adversely affect protein function. In summary, the available evidence is currently insufficient to determine the role of this variant in disease. Therefore, it has been classified as a Variant of Uncertain Significance.

Breakthrough Genomics
Classification: Uncertain significance. Review status: criteria provided, single submitter. Criteria: ACMG Guidelines, 2015. Collection method: not provided. Allele origin: germline. Inheritance: Autosomal recessive inheritance. Affected: yes.